The following is an entry in ClinVar:

NM_001291415.2(KDM6A):c.3920G>A (p.Arg1307Gln)

Gene: KDM6A (lysine demethylase 6A; plus strand). Cytogenetic location: Xp11.3.
Variant type: single nucleotide variant.
Coding change: c.3920G>A on transcript NM_001291415.2 (MANE Select); coding-DNA position 3920, G replaced by A.
Protein change: p.Arg1307Gln; replaces arginine 1307 with glutamine.
Molecular consequence: missense variant. On other transcripts: non-coding transcript variant (1).
Genome position (GRCh38, 1-based): chrX:45,090,750, G>A. VCF-style: chrX-45090750-G-A. GRCh37 (hg19) VCF-style: chrX-44949995-G-A.
Other names: c.3527G>A, p.Arg1176Gln (NM_001291418.2, NM_001419815.1); c.2876G>A, p.Arg959Gln (NM_001291421.2); c.3662G>A, p.Arg1221Gln (NM_001410742.1, NM_001419814.1); c.3920G>A, p.Arg1307Gln (NM_001419809.1); c.3818G>A, p.Arg1273Gln (NM_001419810.1, NM_001419813.1); c.3785G>A, p.Arg1262Gln (NM_001419811.1, NM_001291416.2); c.3764G>A, p.Arg1255Gln (NM_001419812.1, NM_021140.4); c.3629G>A, p.Arg1210Gln (NM_001291417.2); short protein forms R1210Q, R1255Q, R1273Q, R1262Q, R1307Q, R1221Q, R959Q, R1176Q.
Identifiers: ClinVar variation 2776543 (VCV002776543.3), dbSNP rs1285728766, ClinGen allele CA412808083.

ClinVar aggregate classification (germline): Uncertain significance (1 of 4 stars; one submission).

Conditions:
Kabuki syndrome 2 (KABUK2). Also called: KDM6A-Related Kabuki Syndrome. Identifiers: Orphanet 2322, MedGen C3275495, MONDO:0010465, OMIM 300867.

Allele frequency attached by ClinVar (database versions not stated): gnomAD exomes below 0.00001; gnomAD 0.00001.
gnomAD v4.1: 4 of 1,206,550 alleles (0.00033%); highest among the groups gnomAD compares: Non-Finnish European, 0.00034%; no homozygotes.

Submission:

Labcorp Genetics (formerly Invitae), Labcorp
Classification: Uncertain significance for Kabuki syndrome 2. Last evaluated: 2022-11-02. Review status: criteria provided, single submitter. Criteria: Invitae Variant Classification Sherloc (09022015). Collection method: clinical testing. Allele origin: germline.
Comment: In summary, the available evidence is currently insufficient to determine the role of this variant in disease. Therefore, it has been classified as a Variant of Uncertain Significance. This variant disrupts the p.Arg1255 amino acid residue in KDM6A. Other variant(s) that disrupt this residue have been determined to be pathogenic (PMID: 27302555; Invitae). This suggests that this residue is clinically significant, and that variants that disrupt this residue are likely to be disease-causing. Algorithms developed to predict the effect of missense changes on protein structure and function (SIFT, PolyPhen-2, Align-GVGD) all suggest that this variant is likely to be disruptive. This variant has not been reported in the literature in individuals affected with KDM6A-related conditions. This variant is present in population databases (no rsID available, gnomAD 0.001%). This sequence change replaces arginine, which is basic and polar, with glutamine, which is neutral and polar, at codon 1255 of the KDM6A protein (p.Arg1255Gln).

Literature cited by the submitters: PubMed 27302555.